The following is an entry in ClinVar:

NM_000478.6(ALPL):c.*66C>A

Gene: ALPL (alkaline phosphatase, biomineralization associated; plus strand). Cytogenetic location: 1p36.12.
Variant type: single nucleotide variant.
Coding change: c.*66C>A on transcript NM_000478.6 (MANE Select); 66 bases downstream of the stop codon, C replaced by A.
Molecular consequence: 3 prime UTR variant.
Genome position (GRCh38, 1-based): chr1:21,577,714, C>A. VCF-style: chr1-21577714-C-A. GRCh37 (hg19) VCF-style: chr1-21904207-C-A.
Other names: c.*66C>A (NM_001127501.4, NM_001177520.3, NM_001369803.2 and 2 more transcripts).
Identifiers: ClinVar variation 295559 (VCV000295559.8), dbSNP rs78043671, ClinGen allele CA10609110.

ClinVar aggregate classification (germline): Benign/Likely benign. Review status: criteria provided, multiple submitters, no conflicts (2 of 4 stars). 2 submissions from 2 submitters: Benign (1); Likely benign (1). Last evaluated 2019-02-24.

Conditions:
Hypophosphatasia. Also called: Phosphoethanol-aminuria. Identifiers: Orphanet 436, MedGen C0020630, MeSH D007014, MONDO:0018570.

Allele frequency attached by ClinVar (database versions not stated): TOPMed 0.00384; gnomAD 0.00395; 1000 Genomes Project 0.00619.
gnomAD v4.1: 1,096 of 1,542,944 alleles (0.071%); highest among the groups gnomAD compares: African/African-American, 1.3%; 12 homozygotes.

Submissions (2):

GeneDx
Classification: Likely benign. Last evaluated: 2019-02-24. Review status: criteria provided, single submitter. Criteria: GeneDx Variant Classification Process June 2021. Collection method: clinical testing. Allele origin: germline. Affected: yes.

Illumina Laboratory Services, Illumina
Classification: Benign for Hypophosphatasia. Last evaluated: 2018-01-13. Review status: criteria provided, single submitter. Criteria: ICSL Variant Classification Criteria 13 December 2019. Collection method: clinical testing. Allele origin: germline.
Comment: This variant was observed in the ICSL laboratory as part of a predisposition screen in an ostensibly healthy population. It had not been previously curated by ICSL or reported in the Human Gene Mutation Database (HGMD: prior to June 1st, 2018), and was therefore a candidate for classification through an automated scoring system. Utilizing variant allele frequency, disease prevalence and penetrance estimates, and inheritance mode, an automated score was calculated to assess if this variant is too frequent to cause the disease. Based on the score and internal cut-off values, a variant classified as benign is not then subjected to further curation. The score for this variant resulted in a classification of benign for this disease.